The following is an entry in ClinVar:

ClinVar aggregate classification (germline): Likely benign (1 of 4 stars; one submission).

Conditions:
IFT56-related disorder. Also called: IFT56-related condition.

gnomAD v4.1: 181 of 1,613,796 alleles (0.011%); highest among the groups gnomAD compares: South Asian, 0.19%; 2 homozygotes.

Submission:

PreventionGenetics, part of Exact Sciences
Classification: Likely benign for IFT56-related condition. Last evaluated: 2026-06-15. Review status: criteria provided, single submitter. Criteria: ACMG Guidelines, 2015. Collection method: clinical testing. Allele origin: germline.
Comment: This variant is classified as likely benign based on ACMG/AMP sequence variant interpretation guidelines (Richards et al. 2015 PMID: 25741868, with internal and published modifications).

NM_024926.4(IFT56):c.1550C>G (p.Pro517Arg)

Gene: IFT56 (intraflagellar transport 56; plus strand). Cytogenetic location: 7q34.
Variant type: single nucleotide variant.
Coding change: c.1550C>G on transcript NM_024926.4 (MANE Select); coding-DNA position 1550, C replaced by G.
Protein change: p.Pro517Arg; replaces proline 517 with arginine.
Molecular consequence: missense variant. On other transcripts: intron variant (1).
Genome position (GRCh38, 1-based): chr7:139,187,536, C>G. VCF-style: chr7-139187536-C-G. GRCh37 (hg19) VCF-style: chr7-138872282-C-G.
Other names: c.1457C>G, p.Pro486Arg (NM_001144923.3); c.1157C>G, p.Pro386Arg (NM_001287512.2); c.1235C>G, p.Pro412Arg (NM_001287513.2); c.1130C>G, p.Pro377Arg (NM_001318333.2); c.1520C>G, p.Pro507Arg (NM_001321740.2); c.1232C>G, p.Pro411Arg (NM_001321741.2); c.1420-1785C>G (NM_001144920.3); short protein forms P411R, P486R, P507R, P377R, P386R, P412R, P517R.
Identifiers: ClinVar variation 4981422 (VCV004981422.1).